The following is an entry in ClinVar:

NM_000384.3(APOB):c.7179G>C (p.Leu2393Phe)

Gene: APOB (apolipoprotein B; minus strand). Cytogenetic location: 2p24.1.
Variant type: single nucleotide variant.
Coding change: c.7179G>C on transcript NM_000384.3 (MANE Select); coding-DNA position 7179, G replaced by C.
Protein change: p.Leu2393Phe; replaces leucine 2393 with phenylalanine.
Molecular consequence: missense variant.
Genome position (GRCh38, 1-based): chr2:21,009,689, C>G on the plus strand (G>C on the coding strand, the complement: APOB is on the minus strand). VCF-style: chr2-21009689-C-G. GRCh37 (hg19) VCF-style: chr2-21232561-C-G.
Other names: short protein forms L2393F.
Identifiers: ClinVar variation 3308067 (VCV003308067.3).

ClinVar aggregate classification (germline): Uncertain significance. Review status: criteria provided, multiple submitters, no conflicts (2 of 4 stars). 2 submissions from 2 submitters: Uncertain significance (2). Last evaluated 2024-12-05.

Conditions:
Cardiovascular phenotype. Identifiers: MedGen CN230736.
Familial hypobetalipoproteinemia 1. Also called: Hypobetalipoproteinemia, normotriglyceridemic; Acanthocytosis with hypobetalipoproteinemia; APOB-Related Familial Hypobetalipoproteinemia. Identifiers: MedGen C4551990, MONDO:0014252, OMIM 615558.
Hypercholesterolemia, autosomal dominant, type B (FHCL2). Also called: Familial Hypercholesterolemia Type B; APOLIPOPROTEIN B-100, FAMILIAL DEFECTIVE; APOLIPOPROTEIN B-100, FAMILIAL LIGAND-DEFECTIVE; HYPERCHOLESTEROLEMIA, FAMILIAL, DUE TO LIGAND-DEFECTIVE APOLIPOPROTEIN B; Hyperlipoproteinemia Type IIb; Familial hypercholesterolemia 2. Identifiers: MedGen C1704417, MONDO:0007751, OMIM 144010.

gnomAD v4.1: 1 of 1,613,144 alleles (0.000062%); highest among the groups gnomAD compares: Non-Finnish European, 0.000085%; no homozygotes.

Submissions (2):

Labcorp Genetics (formerly Invitae), Labcorp
Classification: Uncertain significance for Familial hypobetalipoproteinemia 1; Hypercholesterolemia, autosomal dominant, type B. Last evaluated: 2024-12-05. Review status: criteria provided, single submitter. Criteria: Invitae Variant Classification Sherloc (09022015). Collection method: clinical testing. Allele origin: germline.
Comment: This sequence change replaces leucine, which is neutral and non-polar, with phenylalanine, which is neutral and non-polar, at codon 2393 of the APOB protein (p.Leu2393Phe). This variant is present in population databases (rs761964409, gnomAD 0.0009%). This variant has not been reported in the literature in individuals affected with APOB-related conditions. Invitae Evidence Modeling of protein sequence and biophysical properties (such as structural, functional, and spatial information, amino acid conservation, physicochemical variation, residue mobility, and thermodynamic stability) indicates that this missense variant is not expected to disrupt APOB protein function with a negative predictive value of 95%. In summary, the available evidence is currently insufficient to determine the role of this variant in disease. Therefore, it has been classified as a Variant of Uncertain Significance.

Ambry Genetics
Classification: Uncertain significance for Cardiovascular phenotype. Last evaluated: 2024-06-09. Review status: criteria provided, single submitter. Criteria: Ambry Variant Classification Scheme 2023. Collection method: clinical testing. Allele origin: germline.
Comment: The p.L2393F variant (also known as c.7179G>C), located in coding exon 26 of the APOB gene, results from a G to C substitution at nucleotide position 7179. The leucine at codon 2393 is replaced by phenylalanine, an amino acid with highly similar properties. This amino acid position is conserved. In addition, this alteration is predicted to be tolerated by in silico analysis. Based on the available evidence, the clinical significance of this variant remains unclear.